The following is an entry in ClinVar:

ClinVar aggregate classification (germline): Uncertain significance. Review status: criteria provided, multiple submitters, no conflicts (2 of 4 stars). 2 submissions from 2 submitters: Uncertain significance (2). Last evaluated 2022-07-29.

Allele frequency attached by ClinVar (database versions not stated): gnomAD 0.00001; ExAC 0.00003.

Submissions (2):

Labcorp Genetics (formerly Invitae), Labcorp
Classification: Uncertain significance. Last evaluated: 2022-07-29. Review status: criteria provided, single submitter. Criteria: Invitae Variant Classification Sherloc (09022015). Collection method: clinical testing. Allele origin: germline.
Comment: This sequence change replaces cysteine, which is neutral and slightly polar, with tyrosine, which is neutral and polar, at codon 149 of the TSFM protein (p.Cys149Tyr). This variant is present in population databases (rs761072339, gnomAD 0.002%). This variant has not been reported in the literature in individuals affected with TSFM-related conditions. Algorithms developed to predict the effect of missense changes on protein structure and function (SIFT, PolyPhen-2, Align-GVGD) all suggest that this variant is likely to be tolerated. In summary, the available evidence is currently insufficient to determine the role of this variant in disease. Therefore, it has been classified as a Variant of Uncertain Significance.

Blueprint Genetics
Classification: Uncertain significance. Last evaluated: 2018-05-11. Review status: criteria provided, single submitter. Criteria: ACMG Guidelines, 2015. Collection method: clinical testing. Allele origin: germline.

NM_005726.6(TSFM):c.446G>A (p.Cys149Tyr)

Gene: TSFM (Ts translation elongation factor, mitochondrial; plus strand). Cytogenetic location: 12q14.1.
Variant type: single nucleotide variant.
Coding change: c.446G>A on transcript NM_005726.6 (MANE Select); coding-DNA position 446, G replaced by A.
Protein change: p.Cys149Tyr; replaces cysteine 149 with tyrosine.
Molecular consequence: missense variant.
Genome position (GRCh38, 1-based): chr12:57,787,125, G>A. VCF-style: chr12-57787125-G-A. GRCh37 (hg19) VCF-style: chr12-58180908-G-A.
Other names: c.446G>A, p.Cys149Tyr (NM_001172695.2, NM_001172696.2, NM_001172697.2); short protein forms C149Y.
Identifiers: ClinVar variation 2082102 (VCV002082102.2), dbSNP rs761072339, ClinGen allele CA6659348.